The following is an entry in ClinVar:

NM_144997.7(FLCN):c.1392dup (p.Phe465fs)

Gene: FLCN (folliculin; minus strand). Cytogenetic location: 17p11.2.
Variant type: Duplication.
Coding change: c.1392dup on transcript NM_144997.7 (MANE Select); coding-DNA position 1392, one base duplicated (G; older notation c.1392dupG).
Protein change: p.Phe465fs; shifts the reading frame from phenylalanine 465.
Molecular consequence: frameshift variant.
Genome position (GRCh38, 1-based): chr17:17,215,225, C duplicated on the plus strand (G on the coding strand, the reverse complement: FLCN is on the minus strand). VCF-style (leftmost placement, unchanged base first): chr17-17215224-A-AC. GRCh37 (hg19) VCF-style: chr17-17118538-A-AC.
Other names: c.1392dupG (NM_144997.5); c.1446dup, p.Phe483fs (NM_001353229.2); c.1392dup, p.Phe465fs (NM_001353230.2, NM_001353231.2); short protein forms F483fs, F465fs.
Identifiers: ClinVar variation 2586495 (VCV002586495.5), dbSNP rs2544145930, ClinGen allele CA2582342150.

ClinVar aggregate classification (germline): Pathogenic. Review status: criteria provided, multiple submitters, no conflicts (2 of 4 stars). 2 submissions from 2 submitters: Pathogenic (2). Last evaluated 2025-07-06.

Conditions:
Birt-Hogg-Dube syndrome. Also called: Birt Hogg Dubé syndrome. Identifiers: Orphanet 122, MedGen C0346010, MONDO:0800444.
Hereditary cancer-predisposing syndrome. Also called: Tumor predisposition; Neoplastic Syndromes, Hereditary; Hereditary Cancer Syndrome; Hereditary neoplastic syndrome. Identifiers: Orphanet 140162, MedGen C0027672, MeSH D009386, MONDO:0015356.

Allele frequency attached by ClinVar (database versions not stated): gnomAD exomes below 0.00001.

Submissions (2):

Labcorp Genetics (formerly Invitae), Labcorp
Classification: Pathogenic for Birt-Hogg-Dube syndrome. Last evaluated: 2025-07-06. Review status: criteria provided, single submitter. Criteria: Invitae Variant Classification Sherloc (09022015). Collection method: clinical testing. Allele origin: germline.
Comment: This sequence change creates a premature translational stop signal (p.Phe465Valfs*21) in the FLCN gene. It is expected to result in an absent or disrupted protein product. Loss-of-function variants in FLCN are known to be pathogenic (PMID: 15852235). This variant is not present in population databases (gnomAD no frequency). This variant has not been reported in the literature in individuals affected with FLCN-related conditions. ClinVar contains an entry for this variant (Variation ID: 2586495). Algorithms developed to predict the effect of sequence changes on RNA splicing suggest that this variant may disrupt the consensus splice site. For these reasons, this variant has been classified as Pathogenic.

Ambry Genetics
Classification: Pathogenic for Hereditary cancer-predisposing syndrome. Last evaluated: 2023-07-19. Review status: criteria provided, single submitter. Criteria: Ambry Variant Classification Scheme 2023. Collection method: clinical testing. Allele origin: germline.
Comment: The c.1392dupG pathogenic mutation, located in coding exon 9 of the FLCN gene, results from a duplication of G at nucleotide position 1392, causing a translational frameshift with a predicted alternate stop codon (p.F465Vfs*21). This variant is considered to be rare based on population cohorts in the Genome Aggregation Database (gnomAD). This alteration is expected to result in loss of function by premature protein truncation or nonsense-mediated mRNA decay. As such, this alteration is interpreted as a disease-causing mutation.

Literature cited by the submitters: PubMed 15852235 (cited by Labcorp Genetics (formerly Invitae), Labcorp).